The following is an entry in ClinVar:

NM_002691.4(POLD1):c.2354A>C (p.His785Pro)

Gene: POLD1 (DNA polymerase delta 1, catalytic subunit; plus strand). Cytogenetic location: 19q13.33.
Variant type: single nucleotide variant.
Coding change: c.2354A>C on transcript NM_002691.4 (MANE Select); coding-DNA position 2354, A replaced by C.
Protein change: p.His785Pro; replaces histidine 785 with proline.
Molecular consequence: missense variant. On other transcripts: non-coding transcript variant (1).
Genome position (GRCh38, 1-based): chr19:50,413,845, A>C. VCF-style: chr19-50413845-A-C. GRCh37 (hg19) VCF-style: chr19-50917102-A-C.
Other names: c.2354A>C, p.His785Pro (NM_001256849.1); c.2432A>C, p.His811Pro (NM_001308632.1); short protein forms H811P, H785P.
Identifiers: ClinVar variation 2837941 (VCV002837941.3), dbSNP rs2122450672, ClinGen allele CA406984298.

ClinVar aggregate classification (germline): Uncertain significance (1 of 4 stars; one submission).

Conditions:
POLD1-related polyposis and colorectal cancer syndrome (CRCS10). Also called: Colorectal cancer 10; COLORECTAL CANCER, SUSCEPTIBILITY TO, ON CHROMOSOME 19q; Colorectal cancer, susceptibility to, 10. Identifiers: Orphanet 220460, MedGen C2675481, MONDO:0012953, OMIM 612591.

Submission:

Labcorp Genetics (formerly Invitae), Labcorp
Classification: Uncertain significance for POLD1-related polyposis and colorectal cancer syndrome. Last evaluated: 2024-04-16. Review status: criteria provided, single submitter. Criteria: Invitae Variant Classification Sherloc (09022015). Collection method: clinical testing. Allele origin: germline.
Comment: This sequence change replaces histidine, which is basic and polar, with proline, which is neutral and non-polar, at codon 785 of the POLD1 protein (p.His785Pro). This variant is not present in population databases (gnomAD no frequency). This variant has not been reported in the literature in individuals affected with POLD1-related conditions. Advanced modeling of protein sequence and biophysical properties (such as structural, functional, and spatial information, amino acid conservation, physicochemical variation, residue mobility, and thermodynamic stability) performed at Invitae indicates that this missense variant is not expected to disrupt POLD1 protein function with a negative predictive value of 80%. In summary, the available evidence is currently insufficient to determine the role of this variant in disease. Therefore, it has been classified as a Variant of Uncertain Significance.